The following is an entry in ClinVar:

ClinVar aggregate classification (germline): Uncertain significance (1 of 4 stars; one submission).

Submission:

GeneDx
Classification: Uncertain significance. Last evaluated: 2023-02-03. Review status: criteria provided, single submitter. Criteria: GeneDx Variant Classification Process June 2021. Collection method: clinical testing. Allele origin: germline. Affected: yes.
Comment: Not observed at significant frequency in large population cohorts (gnomAD); In silico analysis supports that this missense variant has a deleterious effect on protein structure/function; Has not been previously published as pathogenic or benign to our knowledge

NM_022552.5(DNMT3A):c.1787G>T (p.Arg596Leu)

Gene: DNMT3A (DNA methyltransferase 3 alpha; minus strand). Cytogenetic location: 2p23.3.
Variant type: single nucleotide variant.
Coding change: c.1787G>T on transcript NM_022552.5 (MANE Select); coding-DNA position 1787, G replaced by T.
Protein change: p.Arg596Leu; replaces arginine 596 with leucine.
Molecular consequence: missense variant. On other transcripts: non-coding transcript variant (1).
Genome position (GRCh38, 1-based): chr2:25,244,219, C>A on the plus strand (G>T on the coding strand, the complement: DNMT3A is on the minus strand). VCF-style: chr2-25244219-C-A. GRCh37 (hg19) VCF-style: chr2-25467088-C-A.
Other names: c.1331G>T, p.Arg444Leu (NM_001320893.1); c.1118G>T, p.Arg373Leu (NM_001375819.1); c.1220G>T, p.Arg407Leu (NM_153759.3); c.1787G>T, p.Arg596Leu (NM_175629.2); short protein forms R373L, R407L, R444L, R596L.
Identifiers: ClinVar variation 2574872 (VCV002574872.1), dbSNP rs899717364, ClinGen allele CA346071781.